The following is an entry in ClinVar:

ClinVar aggregate classification (germline): Conflicting classifications of pathogenicity. Review status: criteria provided, conflicting classifications (1 of 4 stars). 4 submissions from 4 submitters: Uncertain significance (2); Likely benign (2). Last evaluated 2026-04-28.

Conditions:
CTDP1-related disorder. Also called: CTDP1-related condition.

Allele frequency attached by ClinVar (database versions not stated): gnomAD exomes 0.00031 and 0.00050; TOPMed 0.00037; ESP Exome Variant Server 0.00038; gnomAD 0.00039 and 0.00040; ExAC 0.00050.
gnomAD v4.1: 539 of 1,613,360 alleles (0.033%); highest among the groups gnomAD compares: Middle Eastern, 0.12%; 1 homozygote.

Submissions (4):

PreventionGenetics, part of Exact Sciences
Classification: Likely benign for CTDP1-related condition. Last evaluated: 2026-04-28. Review status: criteria provided, single submitter. Criteria: ACMG Guidelines, 2015. Collection method: clinical testing. Allele origin: germline.
Comment: This variant is classified as likely benign based on ACMG/AMP sequence variant interpretation guidelines (Richards et al. 2015 PMID: 25741868, with internal and published modifications).

Labcorp Genetics (formerly Invitae), Labcorp
Classification: Likely benign. Last evaluated: 2025-12-29. Review status: criteria provided, single submitter. Criteria: Invitae Variant Classification Sherloc (09022015). Collection method: clinical testing. Allele origin: germline.

Women's Health and Genetics/Laboratory Corporation of America, LabCorp
Classification: Uncertain significance. Last evaluated: 2025-02-11. Review status: criteria provided, single submitter. Criteria: LabCorp Variant Classification Summary - May 2015. Collection method: clinical testing. Allele origin: germline.
Comment: Variant summary: CTDP1 c.2395C>T (p.Arg799Cys) results in a non-conservative amino acid change located in the FCP1-like phosphatase, C-terminal domain (IPR015388) of the encoded protein sequence. Four of five in-silico tools predict a damaging effect of the variant on protein function. The variant allele was found at a frequency of 0.0005 in 249830 control chromosomes in the gnomAD database, including 1 homozygotes. This frequency is not significantly higher than estimated for a pathogenic variant in CTDP1 causing Congenital cataracts-facial dysmorphism-neuropathy syndrome (0.0005 vs 0.0011), allowing no conclusion about variant significance. To our knowledge, no occurrence of c.2395C>T in individuals affected with Congenital cataracts-facial dysmorphism-neuropathy syndrome and no experimental evidence demonstrating its impact on protein function have been reported. ClinVar contains an entry for this variant (Variation ID: 745181). Based on the evidence outlined above, the variant was classified as uncertain significance.

Mayo Clinic Laboratories, Mayo Clinic
Classification: Uncertain significance. Last evaluated: 2019-11-18. Review status: criteria provided, single submitter. Criteria: ACMG Guidelines, 2015. Collection method: clinical testing. Allele origin: germline. Observed: 1 variant allele.

NM_004715.5(CTDP1):c.2395C>T (p.Arg799Cys)

Gene: CTDP1 (CTD phosphatase 1; plus strand). Cytogenetic location: 18q23.
Variant type: single nucleotide variant.
Coding change: c.2395C>T on transcript NM_004715.5 (MANE Select); coding-DNA position 2395, C replaced by T.
Protein change: p.Arg799Cys; replaces arginine 799 with cysteine.
Molecular consequence: missense variant.
Genome position (GRCh38, 1-based): chr18:79,717,994, C>T. VCF-style: chr18-79717994-C-T. GRCh37 (hg19) VCF-style: chr18-77477994-C-T.
Other names: c.2038C>T, p.Arg680Cys (NM_001202504.1); c.2395C>T, p.Arg799Cys (NM_001318511.2, NM_048368.4); short protein forms R799C, R680C.
Identifiers: ClinVar variation 745181 (VCV000745181.17), dbSNP rs148053048, ClinGen allele CA9010574.